The following is an entry in ClinVar:

ClinVar aggregate classification (germline): Uncertain significance (1 of 4 stars; one submission).

gnomAD v4.1: 2 of 1,613,844 alleles (0.00012%); highest among the groups gnomAD compares: African/African-American, 0.0027%; no homozygotes.

Submission:

Labcorp Genetics (formerly Invitae), Labcorp
Classification: Uncertain significance. Last evaluated: 2025-12-12. Review status: criteria provided, single submitter. Criteria: Invitae Variant Classification Sherloc (09022015). Collection method: clinical testing. Allele origin: germline.
Comment: This sequence change replaces leucine, which is neutral and non-polar, with methionine, which is neutral and non-polar, at codon 1089 of the MYO18B protein (p.Leu1089Met). This variant is not present in population databases (gnomAD no frequency). This variant has not been reported in the literature in individuals affected with MYO18B-related conditions. An algorithm developed to predict the effect of missense changes on protein structure and function (PolyPhen-2) suggests that this variant is likely to be disruptive. In summary, the available evidence is currently insufficient to determine the role of this variant in disease. Therefore, it has been classified as a Variant of Uncertain Significance.

NM_032608.7(MYO18B):c.3265T>A (p.Leu1089Met)

Gene: MYO18B (myosin XVIIIB; plus strand). Cytogenetic location: 22q12.1.
Variant type: single nucleotide variant.
Coding change: c.3265T>A on transcript NM_032608.7 (MANE Select); coding-DNA position 3265, T replaced by A.
Protein change: p.Leu1089Met; replaces leucine 1089 with methionine.
Molecular consequence: missense variant.
Genome position (GRCh38, 1-based): chr22:25,843,791, T>A. VCF-style: chr22-25843791-T-A. GRCh37 (hg19) VCF-style: chr22-26239758-T-A.
Other names: c.3268T>A, p.Leu1090Met (NM_001318245.2); short protein forms L1090M, L1089M.
Identifiers: ClinVar variation 4770778 (VCV004770778.1).